The following is an entry in ClinVar:

NM_015135.3(NUP205):c.3052A>G (p.Thr1018Ala)

Gene: NUP205 (nucleoporin 205; plus strand). Cytogenetic location: 7q33.
Variant type: single nucleotide variant.
Coding change: c.3052A>G on transcript NM_015135.3 (MANE Select); coding-DNA position 3052, A replaced by G.
Protein change: p.Thr1018Ala; replaces threonine 1018 with alanine.
Molecular consequence: missense variant.
Genome position (GRCh38, 1-based): chr7:135,606,897, A>G. VCF-style: chr7-135606897-A-G. GRCh37 (hg19) VCF-style: chr7-135291645-A-G.
Other names: c.1978A>G, p.Thr660Ala (NM_001329434.2); short protein forms T660A, T1018A.
Identifiers: ClinVar variation 1924516 (VCV001924516.5), dbSNP rs1226880454, ClinGen allele CA369341884.

ClinVar aggregate classification (germline): Uncertain significance (1 of 4 stars; one submission).

Allele frequency attached by ClinVar (database versions not stated): gnomAD 0.00001; TOPMed 0.00001.
gnomAD v4.1: 1 of 1,613,874 alleles (0.000062%); highest among the groups gnomAD compares: Non-Finnish European, 0.000085%; no homozygotes.

Submission:

Labcorp Genetics (formerly Invitae), Labcorp
Classification: Uncertain significance. Last evaluated: 2022-01-26. Review status: criteria provided, single submitter. Criteria: Invitae Variant Classification Sherloc (09022015). Collection method: clinical testing. Allele origin: germline.
Comment: In summary, the available evidence is currently insufficient to determine the role of this variant in disease. Therefore, it has been classified as a Variant of Uncertain Significance. Algorithms developed to predict the effect of missense changes on protein structure and function are either unavailable or do not agree on the potential impact of this missense change (SIFT: "Tolerated"; PolyPhen-2: "Probably Damaging"; Align-GVGD: "Class C0"). This variant has not been reported in the literature in individuals affected with NUP205-related conditions. This variant is not present in population databases (gnomAD no frequency). This sequence change replaces threonine, which is neutral and polar, with alanine, which is neutral and non-polar, at codon 1018 of the NUP205 protein (p.Thr1018Ala).